The following is an entry in ClinVar:

Single allele

Genes: DLL1 (delta like canonical Notch ligand 1; minus strand), FAM120B (family with sequence similarity 120 member B; plus strand), PDCD2 (programmed cell death 2; minus strand), PSMB1 (proteasome 20S subunit beta 1; minus strand), TBP (TATA-box binding protein; plus strand). Cytogenetic location: 6q27.
Variant type: Duplication.
Identifiers: ClinVar variation 560073 (VCV000560073.3).

ClinVar aggregate classification (germline): Uncertain significance (1 of 4 stars; one submission).

Submission:

Geisinger Autism and Developmental Medicine Institute, Geisinger Health System
Classification: Uncertain significance. Last evaluated: 2017-06-13. Review status: criteria provided, single submitter. Criteria: ACMG CNV Guidelines, 2011. Collection method: provider interpretation. Allele origin: maternal.